The following is an entry in ClinVar:

NM_003491.4(NAA10):c.387-20C>G

Gene: NAA10 (N-alpha-acetyltransferase 10, NatA catalytic subunit; minus strand). Cytogenetic location: Xq28.
Variant type: single nucleotide variant.
Coding change: c.387-20C>G on transcript NM_003491.4 (MANE Select); 20 bases into the intron before coding-DNA position 387, C replaced by G.
Molecular consequence: intron variant.
Genome position (GRCh38, 1-based): chrX:153,930,867, G>C on the plus strand (C>G on the coding strand, the complement: NAA10 is on the minus strand). VCF-style: chrX-153930867-G-C. GRCh37 (hg19) VCF-style: chrX-153196320-G-C.
Other names: c.369-20C>G (NM_001256120.2); c.342-20C>G (NM_001256119.2).
Identifiers: ClinVar variation 2120421 (VCV002120421.4), dbSNP rs2065162689, ClinGen allele CA1138552414.
Genomic context (GRCh38, chrX:153,930,867, plus strand): 5'-CCTCCCCATCTGCATAGTATTTGGGCTCCACTTCACTGATCCTGGGGGCAGAGGGTTAGA[G>C]AGCAAGGAGGAAGACCTGTATCCCGGGGACACCCTCCTCCACTCCTGGTATCGTGGCTAC-3'

ClinVar aggregate classification (germline): Uncertain significance (1 of 4 stars; one submission).

Allele frequency attached by ClinVar (database versions not stated): gnomAD exomes below 0.00001; gnomAD 0.00001.
gnomAD v4.1: 2 of 1,210,029 alleles (0.00017%); highest among the groups gnomAD compares: African/African-American, 0.0035%; no homozygotes.

Submission:

Labcorp Genetics (formerly Invitae), Labcorp
Classification: Uncertain significance. Last evaluated: 2022-08-16. Review status: criteria provided, single submitter. Criteria: Invitae Variant Classification Sherloc (09022015). Collection method: clinical testing. Allele origin: germline.
Comment: This sequence change falls in intron 6 of the NAA10 gene. It does not directly change the encoded amino acid sequence of the NAA10 protein. In summary, the available evidence is currently insufficient to determine the role of this variant in disease. Therefore, it has been classified as a Variant of Uncertain Significance. Algorithms developed to predict the effect of sequence changes on RNA splicing suggest that this variant may create or strengthen a splice site. This variant has not been reported in the literature in individuals affected with NAA10-related conditions. This variant is not present in population databases (gnomAD no frequency).